The following is an entry in ClinVar:

ClinVar aggregate classification (germline): Uncertain significance (1 of 4 stars; one submission).

Submission:

Labcorp Genetics (formerly Invitae), Labcorp
Classification: Uncertain significance. Last evaluated: 2022-03-04. Review status: criteria provided, single submitter. Criteria: Invitae Variant Classification Sherloc (09022015). Collection method: clinical testing. Allele origin: germline.
Comment: This variant is not present in population databases (gnomAD no frequency). This sequence change replaces glutamic acid, which is acidic and polar, with valine, which is neutral and non-polar, at codon 1379 of the NBAS protein (p.Glu1379Val). This variant has not been reported in the literature in individuals affected with NBAS-related conditions. Algorithms developed to predict the effect of missense changes on protein structure and function output the following: SIFT: "Deleterious"; PolyPhen-2: "Possibly Damaging"; Align-GVGD: "Class C65". The valine amino acid residue is found in multiple mammalian species, which suggests that this missense change does not adversely affect protein function. In summary, the available evidence is currently insufficient to determine the role of this variant in disease. Therefore, it has been classified as a Variant of Uncertain Significance.

NM_015909.4(NBAS):c.4136A>T (p.Glu1379Val)

Gene: NBAS (NBAS subunit of NRZ tethering complex; minus strand). Cytogenetic location: 2p24.3.
Variant type: single nucleotide variant.
Coding change: c.4136A>T on transcript NM_015909.4 (MANE Select); coding-DNA position 4136, A replaced by T.
Protein change: p.Glu1379Val; replaces glutamic acid 1379 with valine.
Molecular consequence: missense variant. On other transcripts: non-coding transcript variant (1).
Genome position (GRCh38, 1-based): chr2:15,352,035, T>A on the plus strand (A>T on the coding strand, the complement: NBAS is on the minus strand). VCF-style: chr2-15352035-T-A. GRCh37 (hg19) VCF-style: chr2-15492159-T-A.
Other names: short protein forms E1379V.
Identifiers: ClinVar variation 2106128 (VCV002106128.4), dbSNP rs2528566722, ClinGen allele CA345887781.